The following is an entry in ClinVar:

NM_000051.4(ATM):c.6147T>G (p.Tyr2049Ter)

Genes: ATM (ATM serine/threonine kinase; plus strand), C11orf65 (chromosome 11 open reading frame 65; minus strand). Cytogenetic location: 11q22.3.
Variant type: single nucleotide variant.
Coding change: c.6147T>G on transcript NM_000051.4 (MANE Select); coding-DNA position 6147, T replaced by G.
Protein change: p.Tyr2049Ter; replaces tyrosine 2049 with a stop codon.
Molecular consequence: nonsense. On other transcripts: intron variant (2).
Genome position (GRCh38, 1-based): chr11:108,316,062, T>G. VCF-style: chr11-108316062-T-G. GRCh37 (hg19) VCF-style: chr11-108186789-T-G.
Other names: c.6147T>G, p.Tyr2049Ter (NM_001351834.2); c.641-6991A>C (NM_001330368.2); c.*39-6991A>C (NM_001351110.2); short protein forms Y2049*.
Identifiers: ClinVar variation 3148045 (VCV003148045.2), dbSNP rs369940136, ClinGen allele CA382550559.

ClinVar aggregate classification (germline): Pathogenic. Review status: criteria provided, multiple submitters, no conflicts (2 of 4 stars). 2 submissions from 2 submitters: Pathogenic (2). Last evaluated 2026-04-24.

Conditions:
Familial cancer of breast. Also called: hereditary breast carcinoma; BREAST CANCER, FAMILIAL; Hereditary breast cancer. Identifiers: Orphanet 227535, MedGen C0346153, MONDO:0016419, OMIM 114480. Disease mechanism: loss of function.
ATM-related cancer predisposition. Also called: ATM-related cancer susceptibility. Identifiers: MedGen CN377759, MONDO:0700270.

gnomAD v4.1: 2 of 1,614,174 alleles (0.00012%); highest among the groups gnomAD compares: East Asian, 0.0022%; no homozygotes.

Submissions (2):

Dasa
Classification: Pathogenic for ATM-related cancer predisposition. Last evaluated: 2026-04-24. Review status: criteria provided, single submitter. Criteria: DASA Assertion Criteria. Collection method: clinical testing. Allele origin: germline.
Comment: NM_000051.4(ATM):c.6147T>G (p.Tyr2049*) introduces a premature termination codon predicted to result in loss of normal protein function. Loss-of-function is an established mechanism of disease for this gene. The affected residue or protein region has prior evidence supporting clinical relevance. The variant is present at low frequency in population datasets. Based on the available data, this variant is classified as pathogenic.

Myriad Genetics, Inc.
Classification: Pathogenic for Familial cancer of breast. Last evaluated: 2024-01-29. Review status: criteria provided, single submitter. Criteria: Myriad Autosomal Dominant, Autosomal Recessive and X-Linked Classification Criteria (2023). Collection method: clinical testing. Allele origin: unknown.
Comment: This variant is considered pathogenic. This variant creates a termination codon and is predicted to result in premature protein truncation.